The following is an entry in ClinVar:

NM_007215.4(POLG2):c.721del (p.Trp241fs)

Genes: MILR1 (mast cell immunoglobulin like receptor 1; plus strand), POLG2 (DNA polymerase gamma 2, accessory subunit; minus strand). Cytogenetic location: 17q23.3.
Variant type: Deletion.
Coding change: c.721del on transcript NM_007215.4 (MANE Select); coding-DNA position 721, one base deleted (T; older notation c.721delT).
Protein change: p.Trp241fs; shifts the reading frame from tryptophan 241.
Molecular consequence: frameshift variant.
Genome position (GRCh38, 1-based): chr17:64,492,741, A deleted on the plus strand (T on the coding strand, the reverse complement: POLG2 is on the minus strand). VCF-style (leftmost placement, unchanged base first): chr17-64492740-CA-C. GRCh37 (hg19) VCF-style: chr17-62488857-CA-C.
Other names: short protein forms W241fs.
Identifiers: ClinVar variation 3061555 (VCV003061555.2), dbSNP rs2509551364, ClinGen allele CA2740093904.

ClinVar aggregate classification (germline): Uncertain significance (0 of 4 stars; one submission).

Conditions:
POLG2-related disorder. Also called: POLG2-related disorders; POLG2-related condition.

Submission:

PreventionGenetics, part of Exact Sciences
Classification: Uncertain significance for POLG2-related condition. Last evaluated: 2023-12-01. Review status: no assertion criteria provided. Collection method: clinical testing. Allele origin: germline.
Comment: The POLG2 c.721delT variant is predicted to result in a frameshift and premature protein termination (p.Trp241Glyfs*28). To our knowledge, this variant has not been reported in the literature or in a large population database, indicating this variant is rare. Early termination changes have been reported as causative both up and downstream of this change, but this variant type is not a well-documented mechanism of disease. Although we suspect that this variant may be pathogenic, at this time, the clinical significance of this variant is uncertain due to the absence of conclusive functional and genetic evidence.